The following is an entry in ClinVar:

NM_001111.5(ADAR):c.3171G>A (p.Leu1057=)

Gene: ADAR (adenosine deaminase RNA specific; minus strand). Cytogenetic location: 1q21.3.
Variant type: single nucleotide variant.
Coding change: c.3171G>A on transcript NM_001111.5 (MANE Select); coding-DNA position 3171, G replaced by A.
Protein change: p.Leu1057=; no amino-acid change (leucine 1057 retained).
Molecular consequence: synonymous variant.
Genome position (GRCh38, 1-based): chr1:154,586,212, C>T on the plus strand (G>A on the coding strand, the complement: ADAR is on the minus strand). VCF-style: chr1-154586212-C-T. GRCh37 (hg19) VCF-style: chr1-154558688-C-T.
Other names: c.2286G>A, p.Leu762= (NM_001025107.3, NM_001193495.2, NM_001365046.1 and 2 more transcripts); c.3198G>A, p.Leu1066= (NM_001365045.1); c.2208G>A, p.Leu736= (NM_001365049.1); c.3093G>A, p.Leu1031= (NM_015840.4); c.3036G>A, p.Leu1012= (NM_015841.4).
Identifiers: ClinVar variation 705693 (VCV000705693.35), dbSNP rs149496690, ClinGen allele CA1131040.
Genomic context (GRCh38, chr1:154,586,212, plus strand): 5'-AGTTCCAGATCCCAAGGCAGGCCCCTTACCCAATGTGACAGATTTGAGATAAATGGGCTG[C>T]AGGAAGTGGGTCAACAGTGCCCCTTGCAGGCCCAGCACGTTCCAGCGTAGGATTTTGTCA-3'
Protein context (NP_001102.3, residues 1047-1067): GLQGALLTHF[Leu1057=]QPIYLKSVTL

ClinVar aggregate classification (germline): Likely benign. Review status: criteria provided, multiple submitters, no conflicts (2 of 4 stars). 3 submissions from 3 submitters: Likely benign (3). Last evaluated 2026-01-13.

Conditions:
Aicardi-Goutieres syndrome 6 (AGS6). Identifiers: Orphanet 51, MedGen C3539013, MONDO:0014007, OMIM 615010.
Symmetrical dyschromatosis of extremities (DSH). Also called: DYSCHROMATOSIS SYMMETRICA HEREDITARIA 1; RETICULATE ACROPIGMENTATION OF DOHI; SYMMETRIC DYSCHROMATOSIS OF THE EXTREMITIES; Dyschromatosis symmetrica hereditaria. Identifiers: Orphanet 41, MedGen C0406775, MONDO:0007483, OMIM 127400.

Allele frequency attached by ClinVar (database versions not stated): ExAC 0.00002; gnomAD exomes 0.00004 and 0.00010; gnomAD 0.00005 and 0.00006; TOPMed 0.00005; ESP Exome Variant Server 0.00023.
gnomAD v4.1: 156 of 1,614,084 alleles (0.0097%); highest among the groups gnomAD compares: Non-Finnish European, 0.012%; no homozygotes.

Submissions (3):

Labcorp Genetics (formerly Invitae), Labcorp
Classification: Likely benign for Aicardi-Goutieres syndrome 6; Symmetrical dyschromatosis of extremities. Last evaluated: 2026-01-13. Review status: criteria provided, single submitter. Criteria: Invitae Variant Classification Sherloc (09022015). Collection method: clinical testing. Allele origin: germline.

Blueprint Genetics
Classification: Likely benign. Last evaluated: 2024-02-08. Review status: criteria provided, single submitter. Criteria: ACMG Guidelines, 2015. Collection method: clinical testing. Allele origin: germline.

CeGaT Center for Human Genetics Tuebingen
Classification: Likely benign. Last evaluated: 2022-03-01. Review status: criteria provided, single submitter. Criteria: CeGaT Center For Human Genetics Tuebingen Variant Classification Criteria Version 2. Collection method: clinical testing. Allele origin: germline. Affected: yes. Observed: 1 variant allele.
Comment: ADAR: BP4, BP7